The following is an entry in ClinVar:

NM_002439.5(MSH3):c.2464T>C (p.Cys822Arg)

Gene: MSH3 (mutS homolog 3; plus strand). Cytogenetic location: 5q14.1.
Variant type: single nucleotide variant.
Coding change: c.2464T>C on transcript NM_002439.5 (MANE Select); coding-DNA position 2464, T replaced by C.
Protein change: p.Cys822Arg; replaces cysteine 822 with arginine.
Molecular consequence: missense variant.
Genome position (GRCh38, 1-based): chr5:80,787,593, T>C. VCF-style: chr5-80787593-T-C. GRCh37 (hg19) VCF-style: chr5-80083412-T-C.
Other names: c.2464T>C (NM_002439.3); short protein forms C822R.
Identifiers: ClinVar variation 1062156 (VCV001062156.11), dbSNP rs1744531800, ClinGen allele CA360283081.
Genomic context (GRCh38, chr5:80,787,593, plus strand): 5'-TCACCTTTTTGTTGTTGCTGCTGCTTCCGTAGGAAATTCAGTGAACATTATCACTCCTTG[T>C]GTAAAGCAGTGCATCACCTAGCAACTGTTGACTGCATTTTCTCCCTGGCCAAGGTCGCTA-3'
Protein context (NP_002430.3, residues 812-832): EKFSEHYHSL[Cys822Arg]KAVHHLATVD

ClinVar aggregate classification (germline): Uncertain significance. Review status: criteria provided, multiple submitters, no conflicts (2 of 4 stars). 3 submissions from 3 submitters: Uncertain significance (3). Last evaluated 2026-08-08.

Conditions:
Hereditary cancer-predisposing syndrome. Also called: Tumor predisposition; Hereditary Cancer Syndrome; Hereditary neoplastic syndrome; Neoplastic Syndromes, Hereditary. Identifiers: Orphanet 140162, MedGen C0027672, MeSH D009386, MONDO:0015356.

Submissions (3):

Ambry Genetics
Classification: Uncertain significance for Hereditary cancer-predisposing syndrome. Last evaluated: 2026-08-08. Review status: criteria provided, single submitter. Criteria: Ambry Variant Classification Scheme 2023. Collection method: clinical testing. Allele origin: germline.
Comment: The p.C822R variant (also known as c.2464T>C), located in coding exon 18 of the MSH3 gene, results from a T to C substitution at nucleotide position 2464. The cysteine at codon 822 is replaced by arginine, an amino acid with highly dissimilar properties. This amino acid position is conserved. In addition, this alteration is predicted to be tolerated by in silico analysis. Based on the available evidence, the clinical significance of this variant remains unclear.

Labcorp Genetics (formerly Invitae), Labcorp
Classification: Uncertain significance. Last evaluated: 2025-06-09. Review status: criteria provided, single submitter. Criteria: Invitae Variant Classification Sherloc (09022015). Collection method: clinical testing. Allele origin: germline.
Comment: This sequence change replaces cysteine, which is neutral and slightly polar, with arginine, which is basic and polar, at codon 822 of the MSH3 protein (p.Cys822Arg). This variant is not present in population databases (gnomAD no frequency). This variant has not been reported in the literature in individuals affected with MSH3-related conditions. ClinVar contains an entry for this variant (Variation ID: 1062156). An algorithm developed to predict the effect of missense changes on protein structure and function (PolyPhen-2) suggests that this variant is likely to be tolerated. In summary, the available evidence is currently insufficient to determine the role of this variant in disease. Therefore, it has been classified as a Variant of Uncertain Significance.

Quest Diagnostics Nichols Institute San Juan Capistrano
Classification: Uncertain significance. Last evaluated: 2021-07-16. Review status: criteria provided, single submitter. Criteria: Quest Diagnostics criteria. Collection method: clinical testing. Allele origin: unknown.